The following is an entry in ClinVar:

ClinVar aggregate classification (germline): Conflicting classifications of pathogenicity. Review status: criteria provided, conflicting classifications (1 of 4 stars). 4 submissions from 4 submitters: Uncertain significance (3); Likely benign (1). Last evaluated 2026-01-01.

Conditions:
Multiple endocrine neoplasia type 4. Also called: MULTIPLE ENDOCRINE NEOPLASIA, TYPE IV. Identifiers: Orphanet 276152, MedGen C1970712, MONDO:0012552, OMIM 610755.
Hereditary cancer-predisposing syndrome. Also called: Hereditary neoplastic syndrome; Neoplastic Syndromes, Hereditary; Tumor predisposition; Hereditary Cancer Syndrome. Identifiers: Orphanet 140162, MedGen C0027672, MeSH D009386, MONDO:0015356.

Allele frequency attached by ClinVar (database versions not stated): gnomAD exomes below 0.00001 and 0.00001; gnomAD 0.00001; TOPMed 0.00003.
gnomAD v4.1: 13 of 1,614,122 alleles (0.00081%); highest among the groups gnomAD compares: Non-Finnish European, 0.001%; no homozygotes.

Submissions (4):

Labcorp Genetics (formerly Invitae), Labcorp
Classification: Uncertain significance for Multiple endocrine neoplasia type 4. Last evaluated: 2026-01-01. Review status: criteria provided, single submitter. Criteria: Invitae Variant Classification Sherloc (09022015). Collection method: clinical testing. Allele origin: germline.
Comment: This sequence change replaces lysine, which is basic and polar, with arginine, which is basic and polar, at codon 68 of the CDKN1B protein (p.Lys68Arg). This variant is present in population databases (no rsID available, gnomAD 0.0009%). This variant has not been reported in the literature in individuals affected with CDKN1B-related conditions. ClinVar contains an entry for this variant (Variation ID: 469004). An algorithm developed to predict the effect of missense changes on protein structure and function outputs the following: PolyPhen-2: "Benign". The arginine amino acid residue is found in multiple mammalian species, which suggests that this missense change does not adversely affect protein function. In summary, the available evidence is currently insufficient to determine the role of this variant in disease. Therefore, it has been classified as a Variant of Uncertain Significance.

GeneDx
Classification: Uncertain significance. Last evaluated: 2024-01-31. Review status: criteria provided, single submitter. Criteria: GeneDx Variant Classification Process June 2021. Collection method: clinical testing. Allele origin: germline. Affected: yes.
Comment: Not observed at significant frequency in large population cohorts (gnomAD); In silico analysis supports that this missense variant does not alter protein structure/function; Has not been previously published as pathogenic or benign to our knowledge

Ambry Genetics
Classification: Likely benign for Hereditary cancer-predisposing syndrome. Last evaluated: 2024-01-23. Review status: criteria provided, single submitter. Criteria: Ambry Variant Classification Scheme 2023. Collection method: clinical testing. Allele origin: germline.

Baylor Genetics
Classification: Uncertain significance for Multiple endocrine neoplasia type 4. Last evaluated: 2020-12-09. Review status: criteria provided, single submitter. Criteria: ACMG Guidelines, 2015. Collection method: clinical testing. Allele origin: unknown. Affected: yes. Study: CSER-TexasKidsCanSeq.
Comment: This variant was determined to be of uncertain significance according to ACMG Guidelines, 2015 [PMID:25741868].

NM_004064.5(CDKN1B):c.203A>G (p.Lys68Arg)

Gene: CDKN1B (cyclin dependent kinase inhibitor 1B; plus strand). Cytogenetic location: 12p13.1.
Variant type: single nucleotide variant.
Coding change: c.203A>G on transcript NM_004064.5 (MANE Select); coding-DNA position 203, A replaced by G.
Protein change: p.Lys68Arg; replaces lysine 68 with arginine.
Molecular consequence: missense variant.
Genome position (GRCh38, 1-based): chr12:12,718,042, A>G. VCF-style: chr12-12718042-A-G. GRCh37 (hg19) VCF-style: chr12-12870976-A-G.
Other names: short protein forms K68R.
Identifiers: ClinVar variation 469004 (VCV000469004.17), dbSNP rs971444878, ClinGen allele CA233059903.